The following is an entry in ClinVar:

NM_001378778.1(MPDZ):c.3947C>A (p.Ser1316Tyr)

Gene: MPDZ (multiple PDZ domain crumbs cell polarity complex component; minus strand). Cytogenetic location: 9p23.
Variant type: single nucleotide variant.
Coding change: c.3947C>A on transcript NM_001378778.1 (MANE Select); coding-DNA position 3947, C replaced by A.
Protein change: p.Ser1316Tyr; replaces serine 1316 with tyrosine.
Molecular consequence: missense variant.
Genome position (GRCh38, 1-based): chr9:13,140,043, G>T on the plus strand (C>A on the coding strand, the complement: MPDZ is on the minus strand). VCF-style: chr9-13140043-G-T. GRCh37 (hg19) VCF-style: chr9-13140042-G-T.
Other names: c.3848C>A, p.Ser1283Tyr (NM_001261406.2, NM_001261407.2, NM_001375416.1 and 3 more transcripts); c.3947C>A, p.Ser1316Tyr (NM_001330637.2, NM_001375413.1, NM_003829.5); c.3737C>A, p.Ser1246Tyr (NM_001375420.1, NM_001375421.1, NM_001375422.1 and 4 more transcripts); c.3539C>A, p.Ser1180Tyr (NM_001375427.1); short protein forms S1316Y, S1246Y, S1283Y, S1180Y.
Identifiers: ClinVar variation 1416271 (VCV001416271.5), dbSNP rs753716746, ClinGen allele CA4986905.

ClinVar aggregate classification (germline): Uncertain significance (1 of 4 stars; one submission).

Allele frequency attached by ClinVar (database versions not stated): gnomAD exomes below 0.00001; gnomAD 0.00003; ExAC 0.00001; TOPMed 0.00002.
gnomAD v4.1: 6 of 1,613,284 alleles (0.00037%); highest among the groups gnomAD compares: African/African-American, 0.008%; no homozygotes.

Submission:

Labcorp Genetics (formerly Invitae), Labcorp
Classification: Uncertain significance. Last evaluated: 2022-03-21. Review status: criteria provided, single submitter. Criteria: Invitae Variant Classification Sherloc (09022015). Collection method: clinical testing. Allele origin: germline.
Comment: This sequence change replaces serine, which is neutral and polar, with tyrosine, which is neutral and polar, at codon 1316 of the MPDZ protein (p.Ser1316Tyr). This variant is present in population databases (rs753716746, gnomAD 0.004%). This variant has not been reported in the literature in individuals affected with MPDZ-related conditions. Algorithms developed to predict the effect of missense changes on protein structure and function are either unavailable or do not agree on the potential impact of this missense change (SIFT: "Deleterious"; PolyPhen-2: "Benign"; Align-GVGD: "Class C15"). In summary, the available evidence is currently insufficient to determine the role of this variant in disease. Therefore, it has been classified as a Variant of Uncertain Significance.